The following is an entry in ClinVar:

ClinVar aggregate classification (germline): Uncertain significance (1 of 4 stars; one submission).

Conditions:
Primary dilated cardiomyopathy (DCM). Also called: Dilated Cardiomyopathy. Identifiers: Orphanet 217604, MedGen C0007193, MeSH D002311, MONDO:0005021, HP:0001644. Inheritance: Various modes of inheritance.

Allele frequency attached by ClinVar (database versions not stated): gnomAD exomes below 0.00001.
gnomAD v4.1: 3 of 1,613,736 alleles (0.00019%); highest among the groups gnomAD compares: Non-Finnish European, 0.00017%; no homozygotes.

Submission:

Labcorp Genetics (formerly Invitae), Labcorp
Classification: Uncertain significance for Primary dilated cardiomyopathy. Last evaluated: 2020-12-04. Review status: criteria provided, single submitter. Criteria: Invitae Variant Classification Sherloc (09022015). Collection method: clinical testing. Allele origin: germline.
Comment: In summary, the available evidence is currently insufficient to determine the role of this variant in disease. Therefore, it has been classified as a Variant of Uncertain Significance. Algorithms developed to predict the effect of missense changes on protein structure and function (SIFT, PolyPhen-2, Align-GVGD) all suggest that this variant is likely to be tolerated, but these predictions have not been confirmed by published functional studies and their clinical significance is uncertain. This variant has not been reported in the literature in individuals with NEBL-related conditions. This variant is not present in population databases (ExAC no frequency). This sequence change replaces arginine with glycine at codon 897 of the NEBL protein (p.Arg897Gly). The arginine residue is weakly conserved and there is a moderate physicochemical difference between arginine and glycine.

NM_006393.3(NEBL):c.2689A>G (p.Arg897Gly)

Gene: NEBL (nebulette; minus strand). Cytogenetic location: 10p12.31.
Variant type: single nucleotide variant.
Coding change: c.2689A>G on transcript NM_006393.3 (MANE Select); coding-DNA position 2689, A replaced by G.
Protein change: p.Arg897Gly; replaces arginine 897 with glycine.
Molecular consequence: missense variant. On other transcripts: intron variant (9).
Genome position (GRCh38, 1-based): chr10:20,808,582, T>C on the plus strand (A>G on the coding strand, the complement: NEBL is on the minus strand). VCF-style: chr10-20808582-T-C. GRCh37 (hg19) VCF-style: chr10-21097511-T-C.
Other names: c.421+4187A>G (NM_001377326.1, NM_001377327.1, NM_001377328.1); c.529+4187A>G (NM_213569.2, NM_001173484.2); c.622+1224A>G (NM_001377322.1); c.472+4187A>G (NM_001377324.1); c.463+4187A>G (NM_001377325.1); c.481+4187A>G (NM_001377323.1); short protein forms R897G.
Identifiers: ClinVar variation 1492738 (VCV001492738.8), dbSNP rs2130760889, ClinGen allele CA376092787.